The following is an entry in ClinVar:

NM_000094.4(COL7A1):c.7485+5G>A

Gene: COL7A1 (collagen type VII alpha 1 chain; minus strand). Cytogenetic location: 3p21.31.
Variant type: single nucleotide variant.
Coding change: c.7485+5G>A on transcript NM_000094.4 (MANE Select); 5 bases into the intron after coding-DNA position 7485, G replaced by A.
Molecular consequence: intron variant.
Genome position (GRCh38, 1-based): chr3:48,570,129, C>T on the plus strand (G>A on the coding strand, the complement: COL7A1 is on the minus strand). VCF-style: chr3-48570129-C-T. GRCh37 (hg19) VCF-style: chr3-48607562-C-T.
Identifiers: ClinVar variation 372350 (VCV000372350.16), dbSNP rs988031901, ClinGen allele CA16042523.

ClinVar aggregate classification (germline): Pathogenic/Likely pathogenic. Review status: criteria provided, multiple submitters, no conflicts (2 of 4 stars). 7 submissions from 7 submitters: Pathogenic (2); Likely pathogenic (5). Last evaluated 2025-11-11.

Conditions:
Generalized dominant dystrophic epidermolysis bullosa (DDEB). Also called: Dominant DEB (DDEB); DDEB, generalized; DDEB-gen; DYSTROPHIC EPIDERMOLYSIS BULLOSA, AUTOSOMAL DOMINANT; Epidermolysis bullosa dystrophica, autosomal dominant. Identifiers: Orphanet 231568, MedGen C0432322, MONDO:0007549, OMIM 131750.
Transient bullous dermolysis of the newborn (TBDN). Also called: EPIDERMOLYSIS BULLOSA DYSTROPHICA, NEONATAL FORM; DYSTROPHIC EPIDERMOLYSIS BULLOSA, NEONATAL. Identifiers: Orphanet 79411, MedGen C1851573, MONDO:0007548, OMIM 131705.
Nonsyndromic congenital nail disorder 8. Also called: TOENAIL DYSTROPHY, ISOLATED. Identifiers: MedGen C1843761, MONDO:0011852, OMIM 607523.
Epidermolysis bullosa pruriginosa. Also called: DEB, PRURIGINOSA; DYSTROPHIC EPIDERMOLYSIS BULLOSA PRURIGINOSA. Identifiers: Orphanet 89843, MedGen C1275114, MONDO:0011398, OMIM 604129.
Pretibial dystrophic epidermolysis bullosa. Also called: Pretibial epidermolysis bullosa; EPIDERMOLYSIS BULLOSA DYSTROPHICA, PRETIBIAL; Pretibial blistering. Identifiers: Orphanet 79410, MedGen C0432321, MONDO:0007552, OMIM 131850, HP:0012221.
Dominant dystrophic epidermolysis bullosa with absence of skin. Also called: EPIDERMOLYSIS BULLOSA WITH CONGENITAL LOCALIZED ABSENCE OF SKIN AND DEFORMITY OF NAILS; EPIDERMOLYSIS BULLOSA DYSTROPHICA, BART TYPE. Identifiers: MedGen C0268371, MONDO:0007557, OMIM 132000.
Recessive dystrophic epidermolysis bullosa (RDEB). Also called: Hallopeau-Siemens Disease; Recessive DEB (RDEB); epidermolysis bullosa dystrophica, autosomal recessive; Epidermolysis Bullosa Distrophica Autosomal Recessive (RDEB); EPIDERMOLYSIS BULLOSA DYSTROPHICA, GENERALIZED SEVERE, AUTOSOMAL RECESSIVE; DYSTROPHIC EPIDERMOLYSIS BULLOSA, AUTOSOMAL RECESSIVE. Identifiers: Orphanet 79408, Orphanet 79409, MedGen C0079474, MONDO:0009179, OMIM 226600.
Epidermolysis bullosa dystrophica. Also called: Dystrophic epidermolysis bullosa; Dystrophic epidermolysis bullosa, Hallopeau-Siemens type (formerly). Identifiers: Orphanet 303, MedGen C0079294, MONDO:0006543.
COL7A1-related disorder. Also called: COL7A1- related disorders; COL7A1-related condition.

Allele frequency attached by ClinVar (database versions not stated): TOPMed below 0.00001; gnomAD 0.00001; gnomAD exomes 0.00001 and 0.00002.

Submissions (7):

PreventionGenetics, part of Exact Sciences
Classification: Likely pathogenic for COL7A1-related condition. Last evaluated: 2025-11-11. Review status: criteria provided, single submitter. Criteria: ACMG Guidelines, 2015. Collection method: clinical testing. Allele origin: germline.
Comment: The COL7A1 c.7485+5G>A variant is predicted to interfere with splicing. Based on available splicing prediction programs (Alamut Visual v1.6.1; SpliceAI, Jaganathan et al. 2019. PubMed ID: 30661751), this variant is predicted to abolish the canonical splice donor site. This variant has been reported in the homozygous or compound heterozygous state in individuals with dystrophic epidermolysis bullosa (Warshauer et al. 2021. PubMed ID: 34435747; Eichstadt et al. 2019. PubMed ID: 31578311). At PreventionGenetics we have observed this variant in the homozygous or compound heterozygous states in patients tested for epidermolysis bullosa (Internal Data). This variant is reported in 0.014% of alleles in individuals of Latino descent in gnomAD; and, in ClinVar it has been reported as pathogenic or likely pathogenic. In summary, this variant is interpreted as likely pathogenic.

Labcorp Genetics (formerly Invitae), Labcorp
Classification: Likely pathogenic. Last evaluated: 2025-07-16. Review status: criteria provided, single submitter. Criteria: Invitae Variant Classification Sherloc (09022015). Collection method: clinical testing. Allele origin: germline.
Comment: This sequence change falls in intron 98 of the COL7A1 gene. It does not directly change the encoded amino acid sequence of the COL7A1 protein. It affects a nucleotide within the consensus splice site. This variant is present in population databases (no rsID available, gnomAD 0.01%). This variant has been observed in individual(s) with autosomal recessive dystrophic epidermolysis bullosa (PMID: 34435747; internal data). ClinVar contains an entry for this variant (Variation ID: 372350). Variants that disrupt the consensus splice site are a relatively common cause of aberrant splicing (PMID: 17576681, 9536098). Algorithms developed to predict the effect of sequence changes on RNA splicing suggest that this variant may disrupt the consensus splice site. In summary, the currently available evidence indicates that the variant is pathogenic, but additional data are needed to prove that conclusively. Therefore, this variant has been classified as Likely Pathogenic.

Natera, Inc.
Classification: Pathogenic for Dystrophic epidermolysis bullosa. Last evaluated: 2025-07-07. Review status: criteria provided, single submitter. Criteria: Natera Variant Classification Schema (03/2026). Collection method: clinical testing. Allele origin: germline.
Comment: The c.7485+5G>A variant in COL7A1 is an intronic variant located outside the canonical splice sites. This variant is rare in the general population with a frequency below the threshold expected for the associated phenotype(s). This variant has been observed in one or more individuals affected with the associated recessive disease, as either homozygous or compound heterozygous with a second variant (PMID: 40013374). This variant has been identified in one or more affected individuals with a phenotype highly consistent with the associated gene (PMID: 40013374). Computational prediction algorithms indicate this variant is likely to affect gene or protein function. Given the available evidence, this variant is classified as Pathogenic.

Revvity Omics, Revvity
Classification: Likely pathogenic. Last evaluated: 2024-08-01. Review status: criteria provided, single submitter. Criteria: ACMG Guidelines, 2015. Collection method: clinical testing. Allele origin: germline.

Fulgent Genetics
Classification: Likely pathogenic for Transient bullous dermolysis of the newborn; Generalized dominant dystrophic epidermolysis bullosa; Pretibial dystrophic epidermolysis bullosa; Dominant dystrophic epidermolysis bullosa with absence of skin; Recessive dystrophic epidermolysis bullosa; Epidermolysis bullosa pruriginosa; Nonsyndromic congenital nail disorder 8. Last evaluated: 2024-06-04. Review status: criteria provided, single submitter. Criteria: ACMG Guidelines, 2015. Collection method: clinical testing. Allele origin: germline.

GeneDx
Classification: Pathogenic. Last evaluated: 2022-08-03. Review status: criteria provided, single submitter. Criteria: GeneDx Variant Classification Process June 2021. Collection method: clinical testing. Allele origin: germline. Affected: yes.
Comment: Non-canonical splice site variant predicted to result in an in-frame deletion of exon 98; This variant is associated with the following publications: (PMID: 34435747)

Rady Children's Institute for Genomic Medicine, Rady Children's Hospital San Diego
Classification: Likely pathogenic for COL7A1-related disorders. Review status: criteria provided, single submitter. Criteria: ACMG Guidelines, 2015. Collection method: clinical testing. Allele origin: germline. Affected: yes.
Comment: This alteration is located within the consensus splice sequence of the intron 98 of COL7A1 gene, and is predicted to affect the canonical splicing based on multiple splice prediction tools; however, to our knowledge, no RNA-base splicing analysis has been performed to verify the effect of this alteration on splicing. This variant has been previously reported together with a c.6527dupC in a patient with autosomal recessive dystrophic epidermolysis bullosa (PMID: 31578311). The c.7485+5G>A variant is present in the heterozygous state in the gnomAD population database at a frequency of 0.002% (5/251298) and thus is presumed to be rare. Based on the available evidence, the c.7485+5G>A variant is classified as Likely Pathogenic.

Literature cited by the submitters: PubMed 34435747 (cited by Labcorp Genetics (formerly Invitae), Labcorp); PubMed 17576681 (cited by Labcorp Genetics (formerly Invitae), Labcorp); PubMed 9536098 (cited by Labcorp Genetics (formerly Invitae), Labcorp); PubMed 40013374 (cited by Natera, Inc.).